The following is an entry in ClinVar:

NM_001365951.3(KIF1B):c.4444C>A (p.Arg1482=)

Gene: KIF1B (kinesin family member 1B; plus strand). Cytogenetic location: 1p36.22.
Variant type: single nucleotide variant.
Coding change: c.4444C>A on transcript NM_001365951.3 (MANE Select); coding-DNA position 4444, C replaced by A.
Protein change: p.Arg1482=; no amino-acid change (arginine 1482 retained).
Molecular consequence: synonymous variant.
Genome position (GRCh38, 1-based): chr1:10,365,177, C>A. VCF-style: chr1-10365177-C-A. GRCh37 (hg19) VCF-style: chr1-10425235-C-A.
Other names: c.4444C>A, p.Arg1482= (NM_001365952.1); c.4306C>A, p.Arg1436= (NM_015074.3).
Identifiers: ClinVar variation 3864089 (VCV003864089.6).
Genomic context (GRCh38, chr1:10,365,177, plus strand): 5'-AGAAAAATCTTAGATACGTCAGTGGCATATGTGCGGGGAGAAGAGAACTTAGCAGGCTGG[C>A]GGCCCCGTGGAGACAGCCTCATCCTTGAGCACCAGTGGGAGCTGGAGAAGCTGGAGCTCC-3'
Protein context (NP_001352880.1, residues 1472-1492): VRGEENLAGW[Arg1482=]PRGDSLILEH

ClinVar aggregate classification (germline): Likely benign. Review status: criteria provided, multiple submitters, no conflicts (2 of 4 stars). 2 submissions from 2 submitters: Likely benign (2). Last evaluated 2025-12-01.

Submissions (2):

CeGaT Center for Human Genetics Tuebingen
Classification: Likely benign. Last evaluated: 2025-12-01. Review status: criteria provided, single submitter. Criteria: CeGaT Center For Human Genetics Tuebingen Variant Classification Criteria Version 2. Collection method: clinical testing. Allele origin: germline. Affected: yes. Observed: 1 variant allele.
Comment: KIF1B: PM2:Supporting, BP4, BP7

Ambry Genetics
Classification: Likely benign. Last evaluated: 2025-02-05. Review status: criteria provided, single submitter. Criteria: Ambry Variant Classification Scheme 2023. Collection method: clinical testing. Allele origin: germline.